The following is an entry in ClinVar:

ClinVar aggregate classification (germline): Uncertain significance (1 of 4 stars; one submission).

Submission:

CeGaT Center for Human Genetics Tuebingen
Classification: Uncertain significance. Last evaluated: 2026-07-01. Review status: criteria provided, single submitter. Criteria: CeGaT Center For Human Genetics Tuebingen Variant Classification Criteria Version 2. Collection method: clinical testing. Allele origin: germline. Affected: yes. Observed: 1 variant allele.
Comment: CTCF: PM2, BP4

NM_006565.4(CTCF):c.2131G>A (p.Ala711Thr)

Gene: CTCF (CCCTC-binding factor; plus strand). Cytogenetic location: 16q22.1.
Variant type: single nucleotide variant.
Coding change: c.2131G>A on transcript NM_006565.4 (MANE Select); coding-DNA position 2131, G replaced by A.
Protein change: p.Ala711Thr; replaces alanine 711 with threonine.
Molecular consequence: missense variant.
Genome position (GRCh38, 1-based): chr16:67,637,819, G>A. VCF-style: chr16-67637819-G-A. GRCh37 (hg19) VCF-style: chr16-67671722-G-A.
Other names: c.1147G>A, p.Ala383Thr (NM_001191022.2); c.2125G>A, p.Ala709Thr (NM_001363916.2, NM_001438969.1); c.2131G>A, p.Ala711Thr (NM_001438968.1); short protein forms A383T, A709T, A711T.
Identifiers: ClinVar variation 5039846 (VCV005039846.1).
Genomic context (GRCh38, chr16:67,637,819, plus strand): 5'-GAGCCAGATGCTGAGCCCGCAGAGGGAGAGGAAGAGGAGGCCCAGCCAGCTGCCACAGAT[G>A]CCCCCAACGGAGACCTCACGCCCGAGATGATCCTCAGCATGATGGACCGGTGATGGCGGA-3'
Protein context (NP_006556.1, residues 701-721): EEEAQPAATD[Ala711Thr]PNGDLTPEMI